The following is an entry in ClinVar:

NM_007194.4(CHEK2):c.592+5TAT[2]

Gene: CHEK2 (checkpoint kinase 2; minus strand). Cytogenetic location: 22q12.1.
Variant type: Microsatellite.
Coding change: c.592+5TAT[2] on transcript NM_007194.4 (MANE Select); two copies in a row of the 3-base unit TAT starting at c.592+5; the reference has three copies in a row; one copy, 3 bases deleted.
Molecular consequence: intron variant.
Genome position (GRCh38, 1-based): chr22:28,724,964-28,724,966, ATA deleted on the plus strand (TAT on the coding strand, the reverse complement: CHEK2 is on the minus strand); deleting any 3 consecutive bases within chr22:28,724,964-28,724,972 gives the same sequence; the position shown is the placement nearest the transcript's 3' end. VCF-style (leftmost placement, unchanged base first): chr22-28724963-GATA-G. GRCh37 (hg19) VCF-style: chr22-29120951-GATA-G.
Other names: c.685+5TAT[2] (NM_001438293.1, NM_001438295.1); c.721+5TAT[2] (NM_001438294.1, NM_001005735.3); c.-72+5TAT[2] (NM_001437942.1); c.445-49TAT[2] (NM_001349956.3); c.592+5TAT[2] (NM_145862.3); c.-186+5TAT[2] (NM_001257387.3); c.592+11_592+13delTAT (NM_007194.3).
Identifiers: ClinVar variation 491620 (VCV000491620.16), dbSNP rs1555926697, ClinGen allele CA658684261.

ClinVar aggregate classification (germline): Benign/Likely benign. Review status: criteria provided, multiple submitters, no conflicts (2 of 4 stars). 4 submissions from 4 submitters: Benign (2); Likely benign (2). Last evaluated 2026-01-28.

Conditions:
Hereditary cancer-predisposing syndrome. Also called: Hereditary neoplastic syndrome; Tumor predisposition; Hereditary Cancer Syndrome; Neoplastic Syndromes, Hereditary. Identifiers: Orphanet 140162, MedGen C0027672, MeSH D009386, MONDO:0015356.
Familial cancer of breast. Also called: Hereditary breast cancer; hereditary breast carcinoma; BREAST CANCER, FAMILIAL. Identifiers: Orphanet 227535, MedGen C0346153, MONDO:0016419, OMIM 114480. Disease mechanism: loss of function.

Submissions (4):

Labcorp Genetics (formerly Invitae), Labcorp
Classification: Likely benign for Familial cancer of breast. Last evaluated: 2026-01-28. Review status: criteria provided, single submitter. Criteria: Invitae Variant Classification Sherloc (09022015). Collection method: clinical testing. Allele origin: germline.

Myriad Genetics, Inc.
Classification: Benign for Familial cancer of breast. Last evaluated: 2024-10-03. Review status: criteria provided, single submitter. Criteria: Myriad Autosomal Dominant, Autosomal Recessive and X-Linked Classification Criteria (2023). Collection method: clinical testing. Allele origin: unknown.
Comment: This variant is considered benign. This variant is intronic and is not expected to impact mRNA splicing.

Color Diagnostics, LLC DBA Color Health
Classification: Likely benign for Hereditary cancer-predisposing syndrome. Last evaluated: 2017-08-26. Review status: criteria provided, single submitter. Criteria: ACMG Guidelines, 2015. Collection method: clinical testing. Allele origin: germline.

GeneDx
Classification: Benign. Last evaluated: 2015-03-03. Review status: criteria provided, single submitter. Criteria: GeneDx Variant Classification Process June 2021. Collection method: clinical testing. Allele origin: germline. Affected: yes.